The following is an entry in ClinVar:

NM_020338.4(ZMIZ1):c.846_854del (p.Ala285_Ala287del)

Gene: ZMIZ1 (zinc finger MIZ-type containing 1; plus strand). Cytogenetic location: 10q22.3.
Variant type: Deletion.
Coding change: c.846_854del on transcript NM_020338.4 (MANE Select); coding-DNA positions 846 to 854, 9 bases deleted (CGCTGCAGC; older notation c.846_854delCGCTGCAGC).
Protein change: p.Ala285_Ala287del.
Molecular consequence: inframe deletion.
Genome position (GRCh38, 1-based): chr10:79,292,245-79,292,253, CGCTGCAGC deleted; deleting any 9 consecutive bases within chr10:79,292,240-79,292,253 gives the same sequence; the c. name uses the placement nearest the transcript's 3' end. VCF-style (leftmost placement, unchanged base first): chr10-79292239-GGCAGCCGCT-G. GRCh37 (hg19) VCF-style: chr10-81051996-GGCAGCCGCT-G.
Identifiers: ClinVar variation 3257735 (VCV003257735.1).

ClinVar aggregate classification (germline): Uncertain significance (1 of 4 stars; one submission).

Conditions:
Neurodevelopmental disorder with dysmorphic facies and distal skeletal anomalies. Identifiers: MedGen C5231448, MONDO:0032855, OMIM 618659.

Submission:

Institute of Immunology and Genetics Kaiserslautern
Classification: Uncertain significance for Neurodevelopmental disorder with dysmorphic facies and distal skeletal anomalies. Last evaluated: 2024-07-27. Review status: criteria provided, single submitter. Criteria: ACMG Guidelines, 2015. Collection method: clinical testing. Allele origin: germline. Affected: yes.
Comment: ACMG Criteria: PM2_P, BP3; Variant was found in heterozygous state